The following is an entry in ClinVar:

NM_007294.4(BRCA1):c.172C>A (p.Pro58Thr)

Gene: BRCA1 (BRCA1 DNA repair associated; minus strand). Cytogenetic location: 17q21.31.
Variant type: single nucleotide variant.
Coding change: c.172C>A on transcript NM_007294.4 (MANE Select); coding-DNA position 172, C replaced by A.
Protein change: p.Pro58Thr; replaces proline 58 with threonine.
Molecular consequence: missense variant. On other transcripts: non-coding transcript variant (1).
Genome position (GRCh38, 1-based): chr17:43,106,496, G>T on the plus strand (C>A on the coding strand, the complement: BRCA1 is on the minus strand). VCF-style: chr17-43106496-G-T. GRCh37 (hg19) VCF-style: chr17-41258513-G-T.
Other names: p.P58T:CCT>ACT; c.172C>A, p.Pro58Thr (NM_001407626.1, NM_001407627.1, NM_001407628.1 and 168 more transcripts); c.31C>A, p.Pro11Thr (NM_001407692.1, NM_001407694.1, NM_001407695.1 and 99 more transcripts); c.-17C>A (NM_001407881.1, NM_001407882.1, NM_001407884.1 and 58 more transcripts); short protein forms P58T, P11T.
Identifiers: ClinVar variation 182122 (VCV000182122.28), dbSNP rs397508904, ClinGen allele CA001135.
Genomic context (GRCh38, chr17:43,106,496, plus strand): 5'-ATCATTACCAAATTATATACCTTTTGGTTATATCATTCTTACATAAAGGACACTGTGAAG[G>T]CCCTTTCTTCTGGTTGAGAAGTTTCAGCATGCAAAATCTATAAATTATAAAGAAAGAAAG-3'
Protein context (NP_009225.1, residues 48-68): MLKLLNQKKG[Pro58Thr]SQCPLCKNDI

ClinVar aggregate classification (germline): Conflicting classifications of pathogenicity. Review status: criteria provided, conflicting classifications (1 of 4 stars). 5 submissions from 5 submitters: Uncertain significance (4); Likely benign (1). Last evaluated 2025-07-08.

Conditions:
Hereditary cancer-predisposing syndrome. Also called: Hereditary Cancer Syndrome; Hereditary neoplastic syndrome; Tumor predisposition; Neoplastic Syndromes, Hereditary. Identifiers: Orphanet 140162, MedGen C0027672, MeSH D009386, MONDO:0015356.
Hereditary breast ovarian cancer syndrome. Also called: Hereditary breast and ovarian cancer syndrome; Hereditary breast and ovarian cancer syndrome (HBOC); BRCA1- and BRCA2-Associated Hereditary Breast and Ovarian Cancer; Breast and ovarian cancer; Hereditary breast and ovarian cancer; Hereditary breast and/or ovarian cancer syndrome. Identifiers: Orphanet 145, MedGen C0677776, MeSH D061325, MONDO:0003582. Disease mechanism: loss of function.

Submissions (6):

Color Diagnostics, LLC DBA Color Health
Classification: Uncertain significance for Hereditary cancer-predisposing syndrome. Last evaluated: 2025-07-08. Review status: criteria provided, single submitter. Criteria: ACMG Guidelines, 2015. Collection method: clinical testing. Allele origin: germline.
Comment: This missense variant replaces proline with threonine at codon 58 of the BRCA1 protein. Computational prediction is inconclusive regarding the impact of this variant on protein structure and function. Functional studies have reported that this variant does not impact BRCA1 function in a haploid cell proliferation assay and in a yeast two-hybrid assay for BARD1 interaction and has an intermediate impact on an ubiquitin E3 ligase assay (PMID: 25823446, 30209399). This variant has been detected in a breast cancer case-control meta-analysis in 1/60466 cases and 2/53461 unaffected individuals (PMID: 33471991Leiden Open Variation Database DB-ID BRCA1_006590). Multifactorial analysis reached a combined likelihood ratio (LR) of 2.366 from LR for co-occurrence with a pathogenic variant and personal and family history for one carrier (PMID: 31131967, 31853058). This variant has not been identified in the general population by the Genome Aggregation Database (gnomAD). The available evidence is insufficient to determine the role of this variant in disease conclusively. Therefore, this variant is classified as a Variant of Uncertain Significance.

Center for Genomic Medicine, Rigshospitalet, Copenhagen University Hospital
Classification: Uncertain significance. Last evaluated: 2025-03-04. Review status: criteria provided, single submitter. Criteria: ACMG Guidelines, 2015. Collection method: clinical testing. Allele origin: germline.

Labcorp Genetics (formerly Invitae), Labcorp
Classification: Uncertain significance for Hereditary breast ovarian cancer syndrome. Last evaluated: 2024-02-13. Review status: criteria provided, single submitter. Criteria: Invitae Variant Classification Sherloc (09022015). Collection method: clinical testing. Allele origin: germline.
Comment: This sequence change replaces proline, which is neutral and non-polar, with threonine, which is neutral and polar, at codon 58 of the BRCA1 protein (p.Pro58Thr). This variant is not present in population databases (gnomAD no frequency). This variant has not been reported in the literature in individuals affected with BRCA1-related conditions. ClinVar contains an entry for this variant (Variation ID: 182122). Advanced modeling performed at Invitae incorporating data from internal and/or published experimental studies (PMID: 30209399) indicates that this missense variant is not expected to disrupt BRCA1 function with a negative predictive value of 95%. Experimental studies have shown that this missense change does not substantially affect BRCA1 function (PMID: 30209399). In summary, the available evidence is currently insufficient to determine the role of this variant in disease. Therefore, it has been classified as a Variant of Uncertain Significance.

Ambry Genetics
Classification: Likely benign for Hereditary cancer-predisposing syndrome. Last evaluated: 2021-06-09. Review status: criteria provided, single submitter. Criteria: Ambry Variant Classification Scheme 2023. Collection method: clinical testing. Allele origin: germline.

GeneDx
Classification: Uncertain significance. Last evaluated: 2015-05-19. Review status: criteria provided, single submitter. Criteria: GeneDx Variant Classification (06012015). Collection method: clinical testing. Allele origin: germline. Affected: yes.
Comment: This variant is denoted BRCA1 c.172C>A at the cDNA level, p.Pro58Thr (P58T) at the protein level, and results in the change of a Proline to a Threonine (CCT>ACT). This variant, also known as BRCA1 c.291C>A using alternate nomenclature, has not, to our knowledge, been published in the literature as pathogenic or benign. BRCA1 Pro58Thr was not observed in approximately 6,500 individuals of European and African American ancestry in the NHLBI Exome Sequencing Project, indicating it is not a common benign variant in these populations. Since Proline and Threonine differ in polarity, charge, size or other properties, this is considered a non-conservative amino acid substitution. BRCA1 Pro58Thr occurs at a position that is not conserved and is located within the RING-type zinc finger domain (UniProt, Narod 2004). In silico analyses are inconsistent regarding the effect this variant may have on protein structure and function. Based on currently available information, it is unclear whether BRCA1 Pro58Thr is pathogenic or benign. We consider it to be a variant of uncertain significance.

Brotman Baty Institute, University of Washington
No classification provided (evidence only). Condition: Breast-ovarian cancer, familial 1. Review status: no classification provided. Collection method: in vitro. Allele origin: not applicable. Functional consequence: functionally_normal. Not counted in ClinVar's aggregate classification.
ClinVar note: "not provided" was previously submitted as the classification for the variant. However, the classification appeared to be based only on an observation of functional data so it was converted to no classification on 2025-07-30.

Literature cited by the submitters: PubMed 25823446 (cited by Color Diagnostics, LLC DBA Color Health); PubMed 30209399 (cited by 4 submitters); PubMed 31131967 (cited by Color Diagnostics, LLC DBA Color Health); PubMed 31853058 (cited by Color Diagnostics, LLC DBA Color Health); PubMed 33471991 (cited by Color Diagnostics, LLC DBA Color Health and Ambry Genetics).